The following is an entry in ClinVar:

ClinVar aggregate classification (germline): Uncertain significance. Review status: criteria provided, multiple submitters, no conflicts (2 of 4 stars). 3 submissions from 3 submitters: Uncertain significance (3). Last evaluated 2026-07-06.

Conditions:
Dilated cardiomyopathy 1JJ (CMD1JJ). Identifiers: Orphanet 154, MedGen C3808935, MONDO:0014095, OMIM 615235.
Cardiovascular phenotype. Identifiers: MedGen CN230736.

Allele frequency attached by ClinVar (database versions not stated): gnomAD exomes 0.00001.
gnomAD v4.1: 5 of 1,613,288 alleles (0.00031%); highest among the groups gnomAD compares: Middle Eastern, 0.033%; 1 homozygote.

Submissions (3):

Ambry Genetics
Classification: Uncertain significance for Cardiovascular phenotype. Last evaluated: 2026-07-06. Review status: criteria provided, single submitter. Criteria: Ambry Variant Classification Scheme 2023. Collection method: clinical testing. Allele origin: germline.
Comment: The p.D1165G variant (also known as c.3494A>G), located in coding exon 25 of the LAMA4 gene, results from an A to G substitution at nucleotide position 3494. The aspartic acid at codon 1165 is replaced by glycine, an amino acid with similar properties. This amino acid position is highly conserved in available vertebrate species. In addition, the in silico prediction for this alteration is inconclusive. The evidence for this gene-disease relationship is limited; therefore, the clinical significance of this variant is unclear.

Labcorp Genetics (formerly Invitae), Labcorp
Classification: Uncertain significance for Dilated cardiomyopathy 1JJ. Last evaluated: 2020-08-29. Review status: criteria provided, single submitter. Criteria: Invitae Variant Classification Sherloc (09022015). Collection method: clinical testing. Allele origin: germline.
Comment: In summary, the available evidence is currently insufficient to determine the role of this variant in disease. Therefore, it has been classified as a Variant of Uncertain Significance. Algorithms developed to predict the effect of sequence changes on RNA splicing suggest that this variant may create or strengthen a splice site, but this prediction has not been confirmed by published transcriptional studies. Algorithms developed to predict the effect of missense changes on protein structure and function (SIFT, PolyPhen-2, Align-GVGD) all suggest that this variant is likely to be disruptive, but these predictions have not been confirmed by published functional studies and their clinical significance is uncertain. This variant has not been reported in the literature in individuals with LAMA4-related conditions. ClinVar contains an entry for this variant (Variation ID: 505268). This variant is not present in population databases (ExAC no frequency). This sequence change replaces aspartic acid with glycine at codon 1165 of the LAMA4 protein (p.Asp1165Gly). The aspartic acid residue is highly conserved and there is a moderate physicochemical difference between aspartic acid and glycine.

Laboratory for Molecular Medicine, Mass General Brigham Personalized Medicine
Classification: Uncertain significance. Last evaluated: 2016-08-03. Review status: criteria provided, single submitter. Criteria: LMM Criteria. Collection method: clinical testing. Allele origin: germline. Observed: 2 variant alleles.
Comment: The p.Asp1165Gly variant in LAMA4 has not been previously reported in individual s with cardiomyopathy and was absent from large population studies. Splice predi ction tools suggest the creation of a cryptic 5' splice site; however, this info rmation is not predictive enough to determine pathogenicity. Additional computat ional prediction tools and conservation analysis do not provide strong support f or or against an impact to the protein. In summary, the clinical significance of the p.Asp1165Gly variant is uncertain.

NM_001105206.3(LAMA4):c.3515A>G (p.Asp1172Gly)

Gene: LAMA4 (laminin subunit alpha 4; minus strand). Cytogenetic location: 6q21.
Variant type: single nucleotide variant.
Coding change: c.3515A>G on transcript NM_001105206.3 (MANE Select); coding-DNA position 3515, A replaced by G.
Protein change: p.Asp1172Gly; replaces aspartic acid 1172 with glycine.
Molecular consequence: missense variant.
Genome position (GRCh38, 1-based): chr6:112,134,509, T>C on the plus strand (A>G on the coding strand, the complement: LAMA4 is on the minus strand). VCF-style: chr6-112134509-T-C. GRCh37 (hg19) VCF-style: chr6-112455711-T-C.
Other names: c.3494A>G, p.Asp1165Gly (NM_001105207.3, NM_002290.5); short protein forms D1165G, D1172G.
Identifiers: ClinVar variation 505268 (VCV000505268.13), dbSNP rs1554330855, ClinGen allele CA365376802.